The following is an entry in ClinVar:

NM_003482.4(KMT2D):c.10507+4A>G

Gene: KMT2D (lysine methyltransferase 2D; minus strand). Cytogenetic location: 12q13.12.
Variant type: single nucleotide variant.
Coding change: c.10507+4A>G on transcript NM_003482.4 (MANE Select); 4 bases into the intron after coding-DNA position 10507, A replaced by G.
Molecular consequence: intron variant.
Genome position (GRCh38, 1-based): chr12:49,034,406, T>C on the plus strand (A>G on the coding strand, the complement: KMT2D is on the minus strand). VCF-style: chr12-49034406-T-C. GRCh37 (hg19) VCF-style: chr12-49428189-T-C.
Identifiers: ClinVar variation 1213441 (VCV001213441.3), dbSNP rs2120456590, ClinGen allele CA2499221704.

ClinVar aggregate classification (germline): Likely pathogenic (1 of 4 stars; one submission).

Submission:

GeneDx
Classification: Likely pathogenic. Last evaluated: 2020-09-02. Review status: criteria provided, single submitter. Criteria: GeneDx Variant Classification Process June 2021. Collection method: clinical testing. Allele origin: germline. Affected: yes.
Comment: Not observed in large population cohorts (Lek et al., 2016); Has not been previously published as pathogenic or benign to our knowledge; In-silico analysis, which includes splice predictors and evolutionary conservation, is inconclusive as to whether the variant alters gene splicing. In the absence of RNA/functional studies, the actual effect of this sequence change is unknown.